The following is an entry in ClinVar:

NM_001128840.3(CACNA1D):c.5565C>A (p.Asp1855Glu)

Gene: CACNA1D (calcium voltage-gated channel subunit alpha1 D; plus strand). Cytogenetic location: 3p21.1.
Variant type: single nucleotide variant.
Coding change: c.5565C>A on transcript NM_001128840.3 (MANE Select); coding-DNA position 5565, C replaced by A.
Protein change: p.Asp1855Glu; replaces aspartic acid 1855 with glutamic acid.
Molecular consequence: missense variant.
Genome position (GRCh38, 1-based): chr3:53,803,552, C>A. VCF-style: chr3-53803552-C-A. GRCh37 (hg19) VCF-style: chr3-53837579-C-A.
Other names: c.5625C>A, p.Asp1875Glu (NM_000720.4); c.5493C>A, p.Asp1831Glu (NM_001128839.3); short protein forms D1831E, D1855E, D1875E.
Identifiers: ClinVar variation 2795227 (VCV002795227.3), dbSNP rs2474493578, ClinGen allele CA353253899.

ClinVar aggregate classification (germline): Uncertain significance (1 of 4 stars; one submission).

Submission:

Labcorp Genetics (formerly Invitae), Labcorp
Classification: Uncertain significance. Last evaluated: 2025-11-04. Review status: criteria provided, single submitter. Criteria: Invitae Variant Classification Sherloc (09022015). Collection method: clinical testing. Allele origin: germline.
Comment: This sequence change replaces aspartic acid, which is acidic and polar, with glutamic acid, which is acidic and polar, at codon 1875 of the CACNA1D protein (p.Asp1875Glu). This variant is not present in population databases (gnomAD no frequency). This variant has not been reported in the literature in individuals affected with CACNA1D-related conditions. ClinVar contains an entry for this variant (Variation ID: 2795227). An algorithm developed to predict the effect of missense changes on protein structure and function (PolyPhen-2) suggests that this variant is likely to be disruptive. In summary, the available evidence is currently insufficient to determine the role of this variant in disease. Therefore, it has been classified as a Variant of Uncertain Significance.